The following is an entry in ClinVar:

ClinVar aggregate classification (germline): Uncertain significance. Review status: criteria provided, multiple submitters, no conflicts (2 of 4 stars). 3 submissions from 3 submitters: Uncertain significance (3). Last evaluated 2024-05-31.

Conditions:
Hereditary cancer-predisposing syndrome. Also called: Neoplastic Syndromes, Hereditary; Tumor predisposition; Hereditary neoplastic syndrome; Hereditary Cancer Syndrome. Identifiers: Orphanet 140162, MedGen C0027672, MeSH D009386, MONDO:0015356.
Classic or attenuated familial adenomatous polyposis. Identifiers: MedGen CN372698, MONDO:0021057.

Allele frequency attached by ClinVar (database versions not stated): gnomAD exomes below 0.00001; ExAC 0.00001.
gnomAD v4.1: 4 of 1,612,996 alleles (0.00025%); highest among the groups gnomAD compares: South Asian, 0.0033%; no homozygotes.

Submissions (3):

All of Us Research Program, National Institutes of Health
Classification: Uncertain significance for Classic or attenuated familial adenomatous polyposis. Last evaluated: 2024-05-31. Review status: criteria provided, single submitter. Criteria: ACMG Guidelines, 2015. Collection method: clinical testing. Allele origin: germline. Inheritance: Autosomal dominant inheritance. Observed: 1 variant allele, 1 heterozygote.
Comment: This study involves interpretation of variants in research participants for the purpose of population health screening. Participant phenotype was not available at the time of variant classification. Additional details can be found in publication PMID: 35346344, PMCID: PMC8962531

Color Diagnostics, LLC DBA Color Health
Classification: Uncertain significance for Hereditary cancer-predisposing syndrome. Last evaluated: 2023-11-20. Review status: criteria provided, single submitter. Criteria: ACMG Guidelines, 2015. Collection method: clinical testing. Allele origin: germline.
Comment: This missense variant replaces leucine with isoleucine at codon 2136 of the APC protein. Computational prediction suggests that this variant may not impact protein structure and function (internally defined REVEL score threshold <= 0.5, PMID: 27666373). To our knowledge, functional studies have not been reported for this variant. This variant has not been reported in individuals affected with APC-related disorders in the literature. This variant has been identified in 1/250760 chromosomes in the general population by the Genome Aggregation Database (gnomAD). The available evidence is insufficient to determine the role of this variant in disease conclusively. Therefore, this variant is classified as a Variant of Uncertain Significance.

Ambry Genetics
Classification: Uncertain significance for Hereditary cancer-predisposing syndrome. Last evaluated: 2022-05-26. Review status: criteria provided, single submitter. Criteria: Ambry Variant Classification Scheme 2023. Collection method: clinical testing. Allele origin: germline.
Comment: The p.L2136I variant (also known as c.6406C>A), located in coding exon 15 of the APC gene, results from a C to A substitution at nucleotide position 6406. The leucine at codon 2136 is replaced by isoleucine, an amino acid with highly similar properties. This amino acid position is highly conserved in available vertebrate species. In addition, in silico predictors for this gene do not accurately predict pathogenicity. Since supporting evidence is limited at this time, the clinical significance of this alteration remains unclear.

NM_000038.6(APC):c.6406C>A (p.Leu2136Ile)

Gene: APC (APC regulator of Wnt signaling pathway; plus strand). Cytogenetic location: 5q22.2.
Variant type: single nucleotide variant.
Coding change: c.6406C>A on transcript NM_000038.6 (MANE Select); coding-DNA position 6406, C replaced by A.
Protein change: p.Leu2136Ile; replaces leucine 2136 with isoleucine.
Molecular consequence: missense variant.
Genome position (GRCh38, 1-based): chr5:112,842,000, C>A. VCF-style: chr5-112842000-C-A. GRCh37 (hg19) VCF-style: chr5-112177697-C-A.
Other names: c.6406C>A, p.Leu2136Ile (NM_001127510.3, NM_001354895.2); c.6352C>A, p.Leu2118Ile (NM_001127511.3); c.6460C>A, p.Leu2154Ile (NM_001354896.2); c.6436C>A, p.Leu2146Ile (NM_001354897.2); c.6331C>A, p.Leu2111Ile (NM_001354898.2); c.6322C>A, p.Leu2108Ile (NM_001354899.2); c.6283C>A, p.Leu2095Ile (NM_001354900.2); c.6229C>A, p.Leu2077Ile (NM_001354901.2); and 5 more; short protein forms L2118I, L2136I, L1853I, L1976I, L2035I, L2111I, L2010I, L2045I.
Identifiers: ClinVar variation 630196 (VCV000630196.10), dbSNP rs780856653, ClinGen allele CA044559.